The following is an entry in ClinVar:

NM_001142800.2(EYS):c.1185-3C>T

Gene: EYS (EGF-like photoreceptor maintenance factor; minus strand). Cytogenetic location: 6q12.
Variant type: single nucleotide variant.
Coding change: c.1185-3C>T on transcript NM_001142800.2 (MANE Select); 3 bases into the intron before coding-DNA position 1185, C replaced by T.
Molecular consequence: intron variant.
Genome position (GRCh38, 1-based): chr6:65,384,503, G>A on the plus strand (C>T on the coding strand, the complement: EYS is on the minus strand). VCF-style: chr6-65384503-G-A. GRCh37 (hg19) VCF-style: chr6-66094396-G-A.
Other names: c.1185-3C>T (NM_001292009.2, NM_001142801.2, NM_198283.2).
Identifiers: ClinVar variation 560455 (VCV000560455.6), dbSNP rs1562140876, ClinGen allele CA658821739.

ClinVar aggregate classification (germline): Uncertain significance. Review status: criteria provided, single submitter (1 of 4 stars). 2 submissions from 2 submitters: Uncertain significance (1). 1 of the submissions does not count toward it. Last evaluated 2025-08-15.

Conditions:
Retinitis pigmentosa 25 (RP25). Identifiers: Orphanet 791, MedGen C1864446, MONDO:0011272, OMIM 602772.

Submissions (2):

Labcorp Genetics (formerly Invitae), Labcorp
Classification: Uncertain significance. Last evaluated: 2025-08-15. Review status: criteria provided, single submitter. Criteria: Invitae Variant Classification Sherloc (09022015). Collection method: clinical testing. Allele origin: germline.
Comment: This sequence change falls in intron 7 of the EYS gene. It does not directly change the encoded amino acid sequence of the EYS protein. It affects a nucleotide within the consensus splice site. This variant is not present in population databases (gnomAD no frequency). This variant has been observed in individual(s) with retinitis pigmentosa (PMID: 31074760). ClinVar contains an entry for this variant (Variation ID: 560455). Variants that disrupt the consensus splice site are a relatively common cause of aberrant splicing (PMID: 17576681, 9536098). Algorithms developed to predict the effect of sequence changes on RNA splicing suggest that this variant is not likely to affect RNA splicing. In summary, the available evidence is currently insufficient to determine the role of this variant in disease. Therefore, it has been classified as a Variant of Uncertain Significance.

Joint Genome Diagnostic Labs from Nijmegen and Maastricht, Radboudumc and MUMC+
Classification: Uncertain significance for Retinitis pigmentosa 25. Last evaluated: 2016-09-01. Review status: no assertion criteria provided. Collection method: clinical testing. Allele origin: inherited. Affected: yes. Observed: 1 variant allele. Not counted in ClinVar's aggregate classification.

Literature cited by the submitters: PubMed 31074760 (cited by Labcorp Genetics (formerly Invitae), Labcorp); PubMed 17576681 (cited by Labcorp Genetics (formerly Invitae), Labcorp); PubMed 9536098 (cited by Labcorp Genetics (formerly Invitae), Labcorp).